The following is an entry in ClinVar:

NM_001297595.2(SIN3B):c.3121G>A (p.Asp1041Asn)

Gene: SIN3B (SIN3 transcription regulator family member B; plus strand). Cytogenetic location: 19p13.11.
Variant type: single nucleotide variant.
Coding change: c.3121G>A on transcript NM_001297595.2 (MANE Select); coding-DNA position 3121, G replaced by A.
Protein change: p.Asp1041Asn; replaces aspartic acid 1041 with asparagine.
Molecular consequence: missense variant.
Genome position (GRCh38, 1-based): chr19:16,878,349, G>A. VCF-style: chr19-16878349-G-A. GRCh37 (hg19) VCF-style: chr19-16989160-G-A.
Other names: c.1891G>A, p.Asp631Asn (NM_001297597.2); c.3217G>A, p.Asp1073Asn (NM_015260.4); short protein forms D1041N, D1073N, D631N.
Identifiers: ClinVar variation 5018364 (VCV005018364.1).
Genomic context (GRCh38, chr19:16,878,349, plus strand): 5'-GACGTGGACTGCCGCTTCAAGCTCAGCACTCACAAGATGGTGTTCATCGTGAACTCCGAG[G>A]ACTACATGTACCGTCGCGGGACCCTCTGCCGGGCCAAGCAGGTGCCAGGGGAGGCCTGGG-3'
Protein context (NP_001284524.1, residues 1031-1051): HKMVFIVNSE[Asp1041Asn]YMYRRGTLCR

ClinVar aggregate classification (germline): Uncertain significance (1 of 4 stars; one submission).

gnomAD v4.1: 2 of 1,612,638 alleles (0.00012%); highest among the groups gnomAD compares: Non-Finnish European, 0.00017%; no homozygotes.

Submission:

GeneDx
Classification: Uncertain significance. Last evaluated: 2026-04-08. Review status: criteria provided, single submitter. Criteria: GeneDx Variant Classification Process June 2021. Collection method: clinical testing. Allele origin: germline.
Comment: Not observed at significant frequency in large population cohorts (gnomAD); In silico analysis supports that this missense variant has a deleterious effect on protein structure/function; Has not been previously published as pathogenic or benign to our knowledge